The following is an entry in ClinVar:

ClinVar aggregate classification (germline): Uncertain significance. Review status: criteria provided, multiple submitters, no conflicts (2 of 4 stars). 2 submissions from 2 submitters: Uncertain significance (2). Last evaluated 2025-08-11.

Conditions:
Inborn genetic diseases. Identifiers: MedGen C0950123, MeSH D030342.
Nemaline myopathy 10 (NEM10). Identifiers: MedGen C4015360, MONDO:0014513, OMIM 616165.

Allele frequency attached by ClinVar (database versions not stated): gnomAD exomes below 0.00001; TOPMed below 0.00001.

Submissions (2):

Ambry Genetics
Classification: Uncertain significance for Inborn genetic diseases. Last evaluated: 2025-08-11. Review status: criteria provided, single submitter. Criteria: Ambry Variant Classification Scheme 2023. Collection method: clinical testing. Allele origin: germline.

Labcorp Genetics (formerly Invitae), Labcorp
Classification: Uncertain significance for Nemaline myopathy 10. Last evaluated: 2023-04-24. Review status: criteria provided, single submitter. Criteria: Invitae Variant Classification Sherloc (09022015). Collection method: clinical testing. Allele origin: germline.
Comment: ClinVar contains an entry for this variant (Variation ID: 1473625). This variant has not been reported in the literature in individuals affected with LMOD3-related conditions. This variant is not present in population databases (gnomAD no frequency). This sequence change replaces tryptophan, which is neutral and slightly polar, with leucine, which is neutral and non-polar, at codon 77 of the LMOD3 protein (p.Trp77Leu). In summary, the available evidence is currently insufficient to determine the role of this variant in disease. Therefore, it has been classified as a Variant of Uncertain Significance. Algorithms developed to predict the effect of missense changes on protein structure and function output the following: SIFT: "Not Available"; PolyPhen-2: "Benign"; Align-GVGD: "Not Available". The leucine amino acid residue is found in multiple mammalian species, which suggests that this missense change does not adversely affect protein function.

NM_198271.5(LMOD3):c.230G>T (p.Trp77Leu)

Genes: LMOD3 (leiomodin 3; minus strand), LOC126806710 (CDK7 strongly-dependent group 2 enhancer GRCh37_chr3:69170601-69171800; plus strand). Cytogenetic location: 3p14.1.
Variant type: single nucleotide variant.
Coding change: c.230G>T on transcript NM_198271.5 (MANE Select); coding-DNA position 230, G replaced by T.
Protein change: p.Trp77Leu; replaces tryptophan 77 with leucine.
Molecular consequence: missense variant.
Genome position (GRCh38, 1-based): chr3:69,122,157, C>A on the plus strand (G>T on the coding strand, the complement: LMOD3 is on the minus strand). VCF-style: chr3-69122157-C-A. GRCh37 (hg19) VCF-style: chr3-69171308-C-A.
Other names: c.230G>T (NM_198271.3); c.230G>T, p.Trp77Leu (NM_001304418.3); short protein forms W77L.
Identifiers: ClinVar variation 1473625 (VCV001473625.8), dbSNP rs2092410842, ClinGen allele CA353478958.